The following is an entry in ClinVar:

NM_003737.4(DCHS1):c.8687G>A (p.Arg2896Gln)

Gene: DCHS1 (dachsous cadherin-related 1; minus strand). Cytogenetic location: 11p15.4.
Variant type: single nucleotide variant.
Coding change: c.8687G>A on transcript NM_003737.4 (MANE Select); coding-DNA position 8687, G replaced by A.
Protein change: p.Arg2896Gln; replaces arginine 2896 with glutamine.
Molecular consequence: missense variant.
Genome position (GRCh38, 1-based): chr11:6,622,989, C>T on the plus strand (G>A on the coding strand, the complement: DCHS1 is on the minus strand). VCF-style: chr11-6622989-C-T. GRCh37 (hg19) VCF-style: chr11-6644220-C-T.
Other names: short protein forms R2896Q.
Identifiers: ClinVar variation 4752095 (VCV004752095.1).

ClinVar aggregate classification (germline): Uncertain significance (1 of 4 stars; one submission).

Submission:

Labcorp Genetics (formerly Invitae), Labcorp
Classification: Uncertain significance. Last evaluated: 2025-05-03. Review status: criteria provided, single submitter. Criteria: Invitae Variant Classification Sherloc (09022015). Collection method: clinical testing. Allele origin: germline.
Comment: This sequence change replaces arginine, which is basic and polar, with glutamine, which is neutral and polar, at codon 2896 of the DCHS1 protein (p.Arg2896Gln). This variant is not present in population databases (gnomAD no frequency). This variant has not been reported in the literature in individuals affected with DCHS1-related conditions. Invitae Evidence Modeling of protein sequence and biophysical properties (such as structural, functional, and spatial information, amino acid conservation, physicochemical variation, residue mobility, and thermodynamic stability) indicates that this missense variant is not expected to disrupt DCHS1 protein function with a negative predictive value of 80%. In summary, the available evidence is currently insufficient to determine the role of this variant in disease. Therefore, it has been classified as a Variant of Uncertain Significance.